The following is an entry in ClinVar:

ClinVar aggregate classification (germline): Pathogenic (1 of 4 stars; one submission).

Submission:

GeneDx
Classification: Pathogenic. Last evaluated: 2014-12-02. Review status: criteria provided, single submitter. Criteria: GeneDx Variant Classification (06012015). Collection method: clinical testing. Allele origin: germline. Affected: yes.
Comment: c.1713delA: p.Glu571AspfsX58 in exon 15 in the TSC1 gene (NM_000368.4). The normal sequence with the base that is deleted in braces is: GGGA{A}TGCC. The c.1713delA mutation in the TSC1 gene has not been reported previously as a disease-causing mutation nor as a benign polymorphism, to our knowledge. The c.1713delA mutation causes a frameshift starting with codon Glutamic acid 571, changes this amino acid to am Aspartic acid residue and creates a premature Stop codon at position 58 of the new reading frame, denoted p.Glu571AspfsX58. This mutation is predicted to cause loss of normal protein function either through protein truncation or nonsense-mediated mRNA decay. The c.1713delA mutation was not observed in approximately 6500 individuals of European and African American ancestry in the NHLBI Exome Sequencing Project, indicating it is not a common benign variant in these populations. We interpret c.1713delA as a disease-causing mutation. The variant is found in TSC1 panel(s).

NM_000368.5(TSC1):c.1713del (p.Glu571fs)

Gene: TSC1 (TSC complex subunit 1; minus strand). Cytogenetic location: 9q34.13.
Variant type: Deletion.
Coding change: c.1713del on transcript NM_000368.5 (MANE Select); coding-DNA position 1713, one base deleted (A; older notation c.1713delA).
Protein change: p.Glu571fs; shifts the reading frame from glutamic acid 571.
Molecular consequence: frameshift variant.
Genome position (GRCh38, 1-based): chr9:132,905,865, T deleted on the plus strand (A on the coding strand, the reverse complement: TSC1 is on the minus strand); the first of 2 consecutive T bases (chr9:132,905,865-132,905,866); deleting either gives the same sequence. VCF-style (leftmost placement, unchanged base first): chr9-132905864-AT-A. GRCh37 (hg19) VCF-style: chr9-135781251-AT-A.
Other names: c.1713delA (NM_000368.4); c.1710del, p.Glu570fs (NM_001162426.2); c.1560del, p.Glu520fs (NM_001162427.2); c.1350del, p.Glu450fs (NM_001362177.2); short protein forms E450fs, E571fs, E520fs, E570fs.
Identifiers: ClinVar variation 207652 (VCV000207652.1), dbSNP rs796053471, ClinGen allele CA319338.
Genomic context (GRCh38, chr9:132,905,864, plus strand): 5'-TCGGAGGTGGAATTTTACAAGGACTGGGAGTGAAGATACTGGTCTCCAAAGAAGTCTGGC[AT>A]TCCCTGTCTCCCGCAGGGCTTTCATCAGCACTGCCGCAGGGCAGGTCTATGGGAGTAAAG-3'